The following is an entry in ClinVar:

ClinVar aggregate classification (germline): Benign. Review status: criteria provided, multiple submitters, no conflicts (2 of 4 stars). 3 submissions from 3 submitters: Benign (2). 1 of the submissions does not count toward it. Last evaluated 2021-07-30.

Conditions:
DNMBP-related disorder. Also called: DNMBP-related condition.
Cataract 48. Identifiers: MedGen C5193082, MONDO:0032735, OMIM 618415.

Allele frequency attached by ClinVar (database versions not stated): 1000 Genomes Project 0.27716; 1000 Genomes Project 30x 0.27951; gnomAD 0.30773; ESP Exome Variant Server 0.31509.
gnomAD v4.1: 589,417 of 1,613,876 alleles (37%); highest among the groups gnomAD compares: Non-Finnish European, 39%; 110,283 homozygotes.

Submissions (3):

Genome-Nilou Lab
Classification: Benign for Cataract 48. Last evaluated: 2021-07-30. Review status: criteria provided, single submitter. Criteria: ACMG Guidelines, 2015. Collection method: clinical testing. Allele origin: germline. Affected: no.

Breakthrough Genomics
Classification: Benign. Review status: criteria provided, single submitter. Criteria: ACMG Guidelines, 2015. Collection method: not provided. Allele origin: germline. Inheritance: Autosomal recessive inheritance. Affected: yes.

PreventionGenetics, part of Exact Sciences
Classification: Benign for DNMBP-related condition. Last evaluated: 2019-10-21. Review status: no assertion criteria provided. Collection method: clinical testing. Allele origin: germline. Not counted in ClinVar's aggregate classification.
Comment: This variant is classified as benign based on ACMG/AMP sequence variant interpretation guidelines (Richards et al. 2015 PMID: 25741868, with internal and published modifications).

NM_015221.4(DNMBP):c.4239T>G (p.Cys1413Trp)

Gene: DNMBP (dynamin binding protein; minus strand). Cytogenetic location: 10q24.2.
Variant type: single nucleotide variant.
Coding change: c.4239T>G on transcript NM_015221.4 (MANE Select); coding-DNA position 4239, T replaced by G.
Protein change: p.Cys1413Trp; replaces cysteine 1413 with tryptophan.
Molecular consequence: missense variant.
Genome position (GRCh38, 1-based): chr10:99,880,120, A>C on the plus strand (T>G on the coding strand, the complement: DNMBP is on the minus strand). VCF-style: chr10-99880120-A-C. GRCh37 (hg19) VCF-style: chr10-101639877-A-C.
Other names: c.4239T>G (NM_015221.3); c.3135T>G, p.Cys1045Trp (NM_001318326.2); c.1977T>G, p.Cys659Trp (NM_001318327.2); short protein forms C1045W, C1413W, C701W, C659W.
Identifiers: ClinVar variation 1255520 (VCV001255520.6), dbSNP rs11190305, ClinGen allele CA5644333.